The following is an entry in ClinVar:

ClinVar aggregate classification (germline): Likely benign (1 of 4 stars; one submission).

Allele frequency attached by ClinVar (database versions not stated): gnomAD exomes 0.00713.
gnomAD v4.1: 518 of 82,000 alleles (0.63%); highest among the groups gnomAD compares: Middle Eastern, 2.1%; 23 homozygotes.

Submission:

CeGaT Center for Human Genetics Tuebingen
Classification: Likely benign. Last evaluated: 2023-01-01. Review status: criteria provided, single submitter. Criteria: CeGaT Center For Human Genetics Tuebingen Variant Classification Criteria Version 2. Collection method: clinical testing. Allele origin: germline. Affected: yes. Observed: 3 variant alleles.
Comment: MED16: BS2

NM_005481.3(MED16):c.1905+449A>C

Gene: MED16 (mediator complex subunit 16; minus strand). Cytogenetic location: 19p13.3.
Variant type: single nucleotide variant.
Coding change: c.1905+449A>C on transcript NM_005481.3 (MANE Select); 449 bases into the intron after coding-DNA position 1905, A replaced by C.
Molecular consequence: intron variant.
Genome position (GRCh38, 1-based): chr19:873,000, T>G on the plus strand (A>C on the coding strand, the complement: MED16 is on the minus strand). VCF-style: chr19-873000-T-G. GRCh37 (hg19) VCF-style: chr19-873000-T-G.
Identifiers: ClinVar variation 2648872 (VCV002648872.24), dbSNP rs866437536, ClinGen allele CA303977838.